The following is an entry in ClinVar:

ClinVar aggregate classification (germline): Uncertain significance. Review status: criteria provided, multiple submitters, no conflicts (2 of 4 stars). 2 submissions from 2 submitters: Uncertain significance (2). Last evaluated 2026-03-11.

Conditions:
Inborn genetic diseases. Identifiers: MedGen C0950123, MeSH D030342.

Submissions (2):

Ambry Genetics
Classification: Uncertain significance for Inborn genetic diseases. Last evaluated: 2026-03-11. Review status: criteria provided, single submitter. Criteria: Ambry Variant Classification Scheme 2023. Collection method: clinical testing. Allele origin: germline.
Comment: The c.5185G>T (p.G1729W) alteration is located in exon 14 (coding exon 14) of the F8 gene. This alteration results from a G to T substitution at nucleotide position 5185, causing the glycine (G) at amino acid position 1729 to be replaced by a tryptophan (W). This variant was not reported in population-based cohorts in the Genome Aggregation Database (gnomAD). This variant was reported in individual(s) with a personal or family history of hemophilia (Johnsen, 2022). Another variant at the same codon, c.5186G>A (p.G1729E), has been identified in individual(s) with features consistent with hemophilia A (Castaman, 2009). This amino acid position is highly conserved in available vertebrate species. This alteration is predicted to be deleterious by in silico analysis. Based on insufficient or conflicting evidence, the clinical significance of this alteration remains unclear.

GeneDx
Classification: Uncertain significance. Last evaluated: 2026-02-18. Review status: criteria provided, single submitter. Criteria: GeneDx Variant Classification Process June 2021. Collection method: clinical testing. Allele origin: germline.
Comment: Reported in an individual with hemophilia A, but detailed clinical information, familial segregation, and zygosity of the variant were not provided (PMID: 35770352); Not observed at significant frequency in large population cohorts (gnomAD); In silico analysis supports that this missense variant has a deleterious effect on protein structure/function; This variant is associated with the following publications: (PMID: 35770352)

Literature cited by the submitters: PubMed 19719828 (cited by Ambry Genetics); PubMed 35770352 (cited by Ambry Genetics).

NM_000132.4(F8):c.5185G>T (p.Gly1729Trp)

Gene: F8 (coagulation factor VIII; minus strand). Cytogenetic location: Xq28.
Variant type: single nucleotide variant.
Coding change: c.5185G>T on transcript NM_000132.4 (MANE Select); coding-DNA position 5185, G replaced by T.
Protein change: p.Gly1729Trp; replaces glycine 1729 with tryptophan.
Molecular consequence: missense variant.
Genome position (GRCh38, 1-based): chrX:154,928,605, C>A on the plus strand (G>T on the coding strand, the complement: F8 is on the minus strand). VCF-style: chrX-154928605-C-A. GRCh37 (hg19) VCF-style: chrX-154156880-C-A.
Other names: short protein forms G1729W.
Identifiers: ClinVar variation 4840441 (VCV004840441.2).